The following is an entry in ClinVar:

NM_024675.4(PALB2):c.2728T>C (p.Tyr910His)

Gene: PALB2 (partner and localizer of BRCA2; minus strand). Cytogenetic location: 16p12.2.
Variant type: single nucleotide variant.
Coding change: c.2728T>C on transcript NM_024675.4 (MANE Select); coding-DNA position 2728, T replaced by C.
Protein change: p.Tyr910His; replaces tyrosine 910 with histidine.
Molecular consequence: missense variant.
Genome position (GRCh38, 1-based): chr16:23,626,256, A>G on the plus strand (T>C on the coding strand, the complement: PALB2 is on the minus strand). VCF-style: chr16-23626256-A-G. GRCh37 (hg19) VCF-style: chr16-23637577-A-G.
Other names: short protein forms Y910H.
Identifiers: ClinVar variation 1479436 (VCV001479436.9), dbSNP rs2142353327, ClinGen allele CA395121859.
Genomic context (GRCh38, chr16:23,626,256, plus strand): 5'-TGGCTGCAAAGATCTCTTTCAGCTCGAGATTCCCACTTACCTCTGCGAAGTGCCAGGTAT[A>G]AAGTTTTTCCCACTGCCAAGCATCCAGAGCTTTCCAAAGAGAAACTACATCTTCGCAAGC-3'
Protein context (NP_078951.2, residues 900-920): ALDAWQWEKL[Tyr910His]TWHFAEVPVL

ClinVar aggregate classification (germline): Uncertain significance. Review status: criteria provided, multiple submitters, no conflicts (2 of 4 stars). 2 submissions from 2 submitters: Uncertain significance (2). Last evaluated 2023-11-13.

Conditions:
Hereditary cancer-predisposing syndrome. Also called: Tumor predisposition; Hereditary Cancer Syndrome; Hereditary neoplastic syndrome; Neoplastic Syndromes, Hereditary. Identifiers: Orphanet 140162, MedGen C0027672, MeSH D009386, MONDO:0015356.
Familial cancer of breast. Also called: hereditary breast carcinoma; Hereditary breast cancer; BREAST CANCER, FAMILIAL. Identifiers: Orphanet 227535, MedGen C0346153, MONDO:0016419, OMIM 114480. Disease mechanism: loss of function.

Submissions (2):

Color Diagnostics, LLC DBA Color Health
Classification: Uncertain significance for Hereditary cancer-predisposing syndrome. Last evaluated: 2023-11-13. Review status: criteria provided, single submitter. Criteria: ACMG Guidelines, 2015. Collection method: clinical testing. Allele origin: germline.
Comment: This missense variant replaces tyrosine with histidine at codon 910 of the PALB2 protein. Computational prediction suggests that this variant may not impact protein structure and function. To our knowledge, functional studies have not been reported for this variant. This variant has not been reported in individuals affected with PALB2-related disorders in the literature. This variant has not been identified in the general population by the Genome Aggregation Database (gnomAD). The available evidence is insufficient to determine the role of this variant in disease conclusively. Therefore, this variant is classified as a Variant of Uncertain Significance.

Labcorp Genetics (formerly Invitae), Labcorp
Classification: Uncertain significance for Familial cancer of breast. Last evaluated: 2021-09-25. Review status: criteria provided, single submitter. Criteria: Invitae Variant Classification Sherloc (09022015). Collection method: clinical testing. Allele origin: germline.
Comment: In summary, the available evidence is currently insufficient to determine the role of this variant in disease. Therefore, it has been classified as a Variant of Uncertain Significance. Algorithms developed to predict the effect of missense changes on protein structure and function output the following: SIFT: "Tolerated"; PolyPhen-2: "Benign"; Align-GVGD: "Class C0". The histidine amino acid residue is found in multiple mammalian species, which suggests that this missense change does not adversely affect protein function. This variant has not been reported in the literature in individuals affected with PALB2-related conditions. This variant is not present in population databases (ExAC no frequency). This sequence change replaces tyrosine with histidine at codon 910 of the PALB2 protein (p.Tyr910His). The tyrosine residue is moderately conserved and there is a moderate physicochemical difference between tyrosine and histidine.